The following is an entry in ClinVar:

ClinVar aggregate classification (germline): Pathogenic/Likely pathogenic. Review status: criteria provided, multiple submitters, no conflicts (2 of 4 stars). 4 submissions from 4 submitters: Pathogenic (2); Likely pathogenic (2). Last evaluated 2026-03-11.

Conditions:
RHO-related disorder. Also called: RHO-related condition.
Retinal disorder. Also called: Retinopathy; Retinopathies; Retinal Diseases; Retinal disorders. Identifiers: MedGen C0035309, MONDO:0005283, HP:0000488.
Retinitis pigmentosa 4 (RP4). Also called: RETINITIS PIGMENTOSA, RHODOPSIN-RELATED. Identifiers: Orphanet 791, MedGen C3151001, MONDO:0013395, OMIM 613731.

Allele frequency attached by ClinVar (database versions not stated): gnomAD exomes below 0.00001.
gnomAD v4.1: 1 of 1,614,260 alleles (0.000062%); highest among the groups gnomAD compares: Non-Finnish European, 0.000085%; no homozygotes.

Submissions (4):

Genetics Laboratory, Great Ormond Street Hospital NHS Foundation Trust, North Thames Genomic Laboratory Hub
Classification: Likely pathogenic for Retinal disorders. Last evaluated: 2026-03-11. Review status: criteria provided, single submitter. Criteria: ACGS Best Practice Guidelines for Variant Classification in Rare Disease 2024 v1.2. Collection method: clinical testing. Allele origin: germline. Affected: yes.
Comment: PS4_moderate, PM2_moderate, BP4_supporting, PS3_moderate, PP1_strong

Blueprint Genetics
Classification: Pathogenic for RHO-related disorders. Last evaluated: 2021-06-02. Review status: criteria provided, single submitter. Criteria: ACMG Guidelines, 2015. Collection method: clinical testing. Allele origin: germline. Affected: yes. Observed: 5 variant alleles.

Labcorp Genetics (formerly Invitae), Labcorp
Classification: Pathogenic. Last evaluated: 2020-10-07. Review status: criteria provided, single submitter. Criteria: Invitae Variant Classification Sherloc (09022015). Collection method: clinical testing. Allele origin: germline.
Comment: This variant has been observed in individual(s) with autosomal dominant retinitis pigmentosa (PMID: 22791210, 25359768). Experimental studies have shown that this variant affects RHO protein function (PMID: 22791210, 30977563, 25359768). For these reasons, this variant has been classified as Pathogenic. This variant is not present in population databases (ExAC no frequency). This sequence change replaces methionine with arginine at codon 39 of the RHO protein (p.Met39Arg). The methionine residue is moderately conserved and there is a moderate physicochemical difference between methionine and arginine.

Centre for Genomic Medicine, Manchester, Central Manchester University Hospitals
Classification: Likely pathogenic for Retinitis pigmentosa 4. Last evaluated: 2020-09-01. Review status: criteria provided, single submitter. Criteria: ACMG Guidelines, 2015. Collection method: clinical testing. Allele origin: germline. Affected: yes. Observed: 2 heterozygotes.

Literature cited by the submitters: PubMed 22791210 (cited by Labcorp Genetics (formerly Invitae), Labcorp); PubMed 25359768 (cited by Labcorp Genetics (formerly Invitae), Labcorp); PubMed 30977563 (cited by Labcorp Genetics (formerly Invitae), Labcorp).

NM_000539.3(RHO):c.116T>G (p.Met39Arg)

Gene: RHO (rhodopsin; plus strand). Cytogenetic location: 3q22.1.
Variant type: single nucleotide variant.
Coding change: c.116T>G on transcript NM_000539.3 (MANE Select); coding-DNA position 116, T replaced by G.
Protein change: p.Met39Arg; replaces methionine 39 with arginine.
Molecular consequence: missense variant.
Genome position (GRCh38, 1-based): chr3:129,528,849, T>G. VCF-style: chr3-129528849-T-G. GRCh37 (hg19) VCF-style: chr3-129247692-T-G.
Other names: short protein forms M39R.
Identifiers: ClinVar variation 984774 (VCV000984774.11), dbSNP rs2084756915, ClinGen allele CA354495787.